The following is an entry in ClinVar:

ClinVar aggregate classification (germline): Benign/Likely benign. Review status: criteria provided, multiple submitters, no conflicts (2 of 4 stars). 7 submissions from 7 submitters: Benign (2); Likely benign (5). Last evaluated 2025-12-15.

Conditions:
ABCA4-related disorder. Also called: ABCA4-related condition; ABCA4-related disorders. Identifiers: MedGen CN239167.
Retinal dystrophy. Also called: Inherited retinal dystrophy. Identifiers: Orphanet 71862, MedGen C0854723, MeSH D058499, MONDO:0019118, HP:0000556.

Allele frequency attached by ClinVar (database versions not stated): TOPMed 0.00005; gnomAD 0.00006 and 0.00017; gnomAD exomes 0.00021; ExAC 0.00027; 1000 Genomes Project 30x 0.00047; 1000 Genomes Project 0.00060.
gnomAD v4.1: 469 of 1,613,368 alleles (0.029%); highest among the groups gnomAD compares: East Asian, 0.85%; 4 homozygotes.

Submissions (7):

Labcorp Genetics (formerly Invitae), Labcorp
Classification: Likely benign. Last evaluated: 2025-12-15. Review status: criteria provided, single submitter. Criteria: Invitae Variant Classification Sherloc (09022015). Collection method: clinical testing. Allele origin: germline.

PreventionGenetics, part of Exact Sciences
Classification: Likely benign for ABCA4-related condition. Last evaluated: 2024-11-15. Review status: criteria provided, single submitter. Criteria: ACMG Guidelines, 2015. Collection method: clinical testing. Allele origin: germline.
Comment: This variant is classified as likely benign based on ACMG/AMP sequence variant interpretation guidelines (Richards et al. 2015 PMID: 25741868, with internal and published modifications).

Blueprint Genetics
Classification: Likely benign. Last evaluated: 2024-10-18. Review status: criteria provided, single submitter. Criteria: ACMG Guidelines, 2015. Collection method: clinical testing. Allele origin: germline.

Dept Of Ophthalmology, Nagoya University
Classification: Benign for Retinal dystrophy. Last evaluated: 2023-10-01. Review status: criteria provided, single submitter. Criteria: Submitter's publication. Collection method: research. Allele origin: germline. Affected: yes.

ARUP Laboratories, Molecular Genetics and Genomics, ARUP Laboratories
Classification: Benign. Last evaluated: 2018-05-15. Review status: criteria provided, single submitter. Criteria: ARUP Molecular Germline Variant Investigation Process. Collection method: clinical testing. Allele origin: germline.

GeneDx
Classification: Likely benign. Last evaluated: 2018-02-02. Review status: criteria provided, single submitter. Criteria: GeneDx Variant Classification (06012015). Collection method: clinical testing. Allele origin: germline. Affected: yes.
Comment: This variant is considered likely benign or benign based on one or more of the following criteria: it is a conservative change, it occurs at a poorly conserved position in the protein, it is predicted to be benign by multiple in silico algorithms, and/or has population frequency not consistent with disease.

Illumina Laboratory Services, Illumina
Classification: Likely benign for ABCA4-Related Disorders. Last evaluated: 2017-04-27. Review status: criteria provided, single submitter. Criteria: ICSL Variant Classification Criteria 13 December 2019. Collection method: clinical testing. Allele origin: germline.
Comment: This variant was observed as part of a predisposition screen in an ostensibly healthy population. A literature search was performed for the gene, cDNA change, and amino acid change (where applicable). No publications were found based on this search. Allele frequency data from public databases allowed determination this variant is unlikely to cause disease. Therefore, this variant is classified as likely benign.

NM_000350.3(ABCA4):c.2646C>T (p.Gly882=)

Gene: ABCA4 (ATP binding cassette subfamily A member 4; minus strand). Cytogenetic location: 1p22.1.
Variant type: single nucleotide variant.
Coding change: c.2646C>T on transcript NM_000350.3 (MANE Select); coding-DNA position 2646, C replaced by T.
Protein change: p.Gly882=; no amino-acid change (glycine 882 retained).
Molecular consequence: synonymous variant.
Genome position (GRCh38, 1-based): chr1:94,051,640, G>A on the plus strand (C>T on the coding strand, the complement: ABCA4 is on the minus strand). VCF-style: chr1-94051640-G-A. GRCh37 (hg19) VCF-style: chr1-94517196-G-A.
Other names: c.2424C>T, p.Gly808= (NM_001425324.1).
Identifiers: ClinVar variation 298255 (VCV000298255.23), dbSNP rs180921875, ClinGen allele CA958212.